The following is an entry in ClinVar:

NM_003119.4(SPG7):c.2372C>G (p.Pro791Arg)

Gene: SPG7 (SPG7 matrix AAA peptidase subunit, paraplegin; plus strand). Cytogenetic location: 16q24.3.
Variant type: single nucleotide variant.
Coding change: c.2372C>G on transcript NM_003119.4 (MANE Select); coding-DNA position 2372, C replaced by G.
Protein change: p.Pro791Arg; replaces proline 791 with arginine.
Molecular consequence: missense variant. On other transcripts: 3 prime UTR variant (1).
Genome position (GRCh38, 1-based): chr16:89,557,077, C>G. VCF-style: chr16-89557077-C-G. GRCh37 (hg19) VCF-style: chr16-89623485-C-G.
Other names: c.*150C>G (NM_001363850.1); short protein forms P791R.
Identifiers: ClinVar variation 2152267 (VCV002152267.4), dbSNP rs746756159, ClinGen allele CA286509992.
Genomic context (GRCh38, chr16:89,557,077, plus strand): 5'-AGGACTTGGGCGAGGAGGAGACCGAAGAGACCCAGCAGCCTCCACTTGGAGGCGAAGAGC[C>G]GACTTGGCCCAAGTAGTTGGGAGGTGTTGGCTGCACGTGCGGGTGGTCCGGGAAGTGAGG-3'
Protein context (NP_003110.1, residues 781-795): TQQPPLGGEE[Pro791Arg]TWPK

ClinVar aggregate classification (germline): Uncertain significance (1 of 4 stars; one submission).

Conditions:
Hereditary spastic paraplegia 7 (SPG7). Also called: Spastic paraplegia 7; Hereditary spastic paraplegia Paraplegin type; SPG7-related neurologic disorder; SPASTIC PARAPLEGIA 7, AUTOSOMAL RECESSIVE, WITH OR WITHOUT CEREBELLAR ATAXIA; Autosomal recessive spastic paraplegia type 7. Identifiers: Orphanet 99013, MedGen C1846564, MONDO:0011803, OMIM 607259.

Allele frequency attached by ClinVar (database versions not stated): gnomAD 0.00002.
gnomAD v4.1: 3 of 1,611,326 alleles (0.00019%); highest among the groups gnomAD compares: African/African-American, 0.004%; no homozygotes.

Submission:

Labcorp Genetics (formerly Invitae), Labcorp
Classification: Uncertain significance for Hereditary spastic paraplegia 7. Last evaluated: 2022-07-13. Review status: criteria provided, single submitter. Criteria: Invitae Variant Classification Sherloc (09022015). Collection method: clinical testing. Allele origin: germline.
Comment: This variant is not present in population databases (gnomAD no frequency). In summary, the available evidence is currently insufficient to determine the role of this variant in disease. Therefore, it has been classified as a Variant of Uncertain Significance. Advanced modeling of protein sequence and biophysical properties (such as structural, functional, and spatial information, amino acid conservation, physicochemical variation, residue mobility, and thermodynamic stability) performed at Invitae indicates that this missense variant is not expected to disrupt SPG7 protein function. This variant has not been reported in the literature in individuals affected with SPG7-related conditions. This sequence change replaces proline, which is neutral and non-polar, with arginine, which is basic and polar, at codon 791 of the SPG7 protein (p.Pro791Arg).